The following is an entry in ClinVar:

ClinVar aggregate classification (germline): Uncertain significance (1 of 4 stars; one submission).

Conditions:
Infantile-onset X-linked spinal muscular atrophy. Also called: Spinal Muscular Atrophy, X-Linked Infantile; Spinal muscular atrophy, X-linked 2; AMC, DISTAL, X-LINKED; ARTHROGRYPOSIS, X-LINKED, TYPE I; SPINAL MUSCULAR ATROPHY, X-LINKED LETHAL INFANTILE. Identifiers: Orphanet 1145, MedGen C1844934, MONDO:0010532, OMIM 301830.

Submission:

Labcorp Genetics (formerly Invitae), Labcorp
Classification: Uncertain significance for Infantile-onset X-linked spinal muscular atrophy. Last evaluated: 2022-11-03. Review status: criteria provided, single submitter. Criteria: Invitae Variant Classification Sherloc (09022015). Collection method: clinical testing. Allele origin: germline.
Comment: In summary, the available evidence is currently insufficient to determine the role of this variant in disease. Therefore, it has been classified as a Variant of Uncertain Significance. Variants that disrupt the consensus splice site are a relatively common cause of aberrant splicing (PMID: 17576681, 9536098). Algorithms developed to predict the effect of sequence changes on RNA splicing suggest that this variant is not likely to affect RNA splicing. This variant has not been reported in the literature in individuals affected with UBA1-related conditions. This variant is not present in population databases (gnomAD no frequency). This sequence change falls in intron 7 of the UBA1 gene. It does not directly change the encoded amino acid sequence of the UBA1 protein. It affects a nucleotide within the consensus splice site.

Literature cited by the submitters: PubMed 17576681; PubMed 9536098.

NM_003334.4(UBA1):c.678+4A>T

Gene: UBA1 (ubiquitin like modifier activating enzyme 1; plus strand). Cytogenetic location: Xp11.3.
Variant type: single nucleotide variant.
Coding change: c.678+4A>T on transcript NM_003334.4 (MANE Select); 4 bases into the intron after coding-DNA position 678, A replaced by T.
Molecular consequence: intron variant.
Genome position (GRCh38, 1-based): chrX:47,201,370, A>T. VCF-style: chrX-47201370-A-T. GRCh37 (hg19) VCF-style: chrX-47060769-A-T.
Other names: c.678+4A>T (NM_153280.3).
Identifiers: ClinVar variation 2811693 (VCV002811693.3), dbSNP rs2521426142, ClinGen allele CA2739273480.